The following is an entry in ClinVar:

NM_001128178.3(NPHP1):c.916G>T (p.Ala306Ser)

Gene: NPHP1 (nephrocystin 1; minus strand). Cytogenetic location: 2q13.
Variant type: single nucleotide variant.
Coding change: c.916G>T on transcript NM_001128178.3 (MANE Select); coding-DNA position 916, G replaced by T.
Protein change: p.Ala306Ser; replaces alanine 306 with serine.
Molecular consequence: missense variant.
Genome position (GRCh38, 1-based): chr2:110,161,641, C>A on the plus strand (G>T on the coding strand, the complement: NPHP1 is on the minus strand). VCF-style: chr2-110161641-C-A. GRCh37 (hg19) VCF-style: chr2-110919218-C-A.
Other names: c.1084G>T, p.Ala362Ser (NM_000272.5); c.727G>T, p.Ala243Ser (NM_001128179.3); c.913G>T, p.Ala305Ser (NM_001374256.1); c.916G>T, p.Ala306Ser (NM_001374257.1); c.1081G>T, p.Ala361Ser (NM_207181.4); short protein forms A243S, A362S, A306S, A361S, A305S.
Identifiers: ClinVar variation 2003036 (VCV002003036.4), dbSNP rs2467344652, ClinGen allele CA348090151.

ClinVar aggregate classification (germline): Uncertain significance (1 of 4 stars; one submission).

Conditions:
Nephronophthisis. Also called: Juvenile Nephronophthisis. Identifiers: Orphanet 655, MedGen C0687120, MONDO:0019005, HP:0000090.

Submission:

Labcorp Genetics (formerly Invitae), Labcorp
Classification: Uncertain significance for Nephronophthisis. Last evaluated: 2023-08-24. Review status: criteria provided, single submitter. Criteria: Invitae Variant Classification Sherloc (09022015). Collection method: clinical testing. Allele origin: germline.
Comment: Advanced modeling of protein sequence and biophysical properties (such as structural, functional, and spatial information, amino acid conservation, physicochemical variation, residue mobility, and thermodynamic stability) performed at Invitae indicates that this missense variant is not expected to disrupt NPHP1 protein function. ClinVar contains an entry for this variant (Variation ID: 2003036). This variant has not been reported in the literature in individuals affected with NPHP1-related conditions. This variant is not present in population databases (gnomAD no frequency). This sequence change replaces alanine, which is neutral and non-polar, with serine, which is neutral and polar, at codon 362 of the NPHP1 protein (p.Ala362Ser). In summary, the available evidence is currently insufficient to determine the role of this variant in disease. Therefore, it has been classified as a Variant of Uncertain Significance.